The following is an entry in ClinVar:

NM_001231.5(CASQ1):c.365-2A>G

Gene: CASQ1 (calsequestrin 1; plus strand). Cytogenetic location: 1q23.2.
Variant type: single nucleotide variant.
Coding change: c.365-2A>G on transcript NM_001231.5 (MANE Select); the canonical splice acceptor site of the intron before coding-DNA position 365, A replaced by G.
Molecular consequence: splice acceptor variant.
Genome position (GRCh38, 1-based): chr1:160,193,745, A>G. VCF-style: chr1-160193745-A-G. GRCh37 (hg19) VCF-style: chr1-160163535-A-G.
Identifiers: ClinVar variation 3690614 (VCV003690614.2).

ClinVar aggregate classification (germline): Uncertain significance (1 of 4 stars; one submission).

Submission:

Labcorp Genetics (formerly Invitae), Labcorp
Classification: Uncertain significance. Last evaluated: 2024-02-06. Review status: criteria provided, single submitter. Criteria: Invitae Variant Classification Sherloc (09022015). Collection method: clinical testing. Allele origin: germline.
Comment: This sequence change affects an acceptor splice site in intron 2 of the CASQ1 gene. It is expected to disrupt RNA splicing. Variants that disrupt the donor or acceptor splice site typically lead to a loss of protein function (PMID: 16199547), however the current clinical and genetic evidence is not sufficient to establish whether loss-of-function variants in CASQ1 cause disease. This variant is not present in population databases (gnomAD no frequency). This variant has not been reported in the literature in individuals affected with CASQ1-related conditions. Algorithms developed to predict the effect of sequence changes on RNA splicing suggest that this variant may disrupt the consensus splice site. In summary, the available evidence is currently insufficient to determine the role of this variant in disease. Therefore, it has been classified as a Variant of Uncertain Significance.

Literature cited by the submitters: PubMed 16199547.